The following is an entry in ClinVar:

NM_003803.4(MYOM1):c.727G>C (p.Val243Leu)

Gene: MYOM1 (myomesin 1; minus strand). Cytogenetic location: 18p11.31.
Variant type: single nucleotide variant.
Coding change: c.727G>C on transcript NM_003803.4 (MANE Select); coding-DNA position 727, G replaced by C.
Protein change: p.Val243Leu; replaces valine 243 with leucine.
Molecular consequence: missense variant.
Genome position (GRCh38, 1-based): chr18:3,188,792, C>G on the plus strand (G>C on the coding strand, the complement: MYOM1 is on the minus strand). VCF-style: chr18-3188792-C-G. GRCh37 (hg19) VCF-style: chr18-3188790-C-G.
Other names: c.727G>C, p.Val243Leu (NM_019856.2); short protein forms V243L.
Identifiers: ClinVar variation 961187 (VCV000961187.12), dbSNP rs201352656, ClinGen allele CA8875173.

ClinVar aggregate classification (germline): Uncertain significance. Review status: criteria provided, multiple submitters, no conflicts (2 of 4 stars). 2 submissions from 2 submitters: Uncertain significance (2). Last evaluated 2023-01-25.

Conditions:
Hypertrophic cardiomyopathy. Also called: HYPERTROPHIC MYOCARDIOPATHY. Identifiers: Orphanet 217569, MedGen C0007194, MeSH D002312, MONDO:0005045, HP:0001639.

Allele frequency attached by ClinVar (database versions not stated): gnomAD 0.00001; TOPMed 0.00002; gnomAD exomes 0.00003 and 0.00007; ExAC 0.00008; 1000 Genomes Project 30x 0.00016; 1000 Genomes Project 0.00020.
gnomAD v4.1: 17 of 1,605,710 alleles (0.0011%); highest among the groups gnomAD compares: Admixed American, 0.029%; no homozygotes.

Submissions (2):

Labcorp Genetics (formerly Invitae), Labcorp
Classification: Uncertain significance for Hypertrophic cardiomyopathy. Last evaluated: 2023-01-25. Review status: criteria provided, single submitter. Criteria: Invitae Variant Classification Sherloc (09022015). Collection method: clinical testing. Allele origin: germline.
Comment: In summary, the available evidence is currently insufficient to determine the role of this variant in disease. Therefore, it has been classified as a Variant of Uncertain Significance. Advanced modeling of protein sequence and biophysical properties (such as structural, functional, and spatial information, amino acid conservation, physicochemical variation, residue mobility, and thermodynamic stability) performed at Invitae indicates that this missense variant is not expected to disrupt MYOM1 protein function. ClinVar contains an entry for this variant (Variation ID: 961187). This variant has not been reported in the literature in individuals affected with MYOM1-related conditions. This variant is present in population databases (rs201352656, gnomAD 0.04%). This sequence change replaces valine, which is neutral and non-polar, with leucine, which is neutral and non-polar, at codon 243 of the MYOM1 protein (p.Val243Leu).

Ambry Genetics
Classification: Uncertain significance. Last evaluated: 2022-05-02. Review status: criteria provided, single submitter. Criteria: Ambry Variant Classification Scheme 2023. Collection method: clinical testing. Allele origin: germline.
Comment: The p.V243L variant (also known as c.727G>C), located in coding exon 3 of the MYOM1 gene, results from a G to C substitution at nucleotide position 727. The valine at codon 243 is replaced by leucine, an amino acid with highly similar properties. This amino acid position is conserved. In addition, this alteration is predicted to be tolerated by in silico analysis. Since supporting evidence is limited at this time, the clinical significance of this alteration remains unclear.